The following is an entry in ClinVar:

NM_012431.3(SEMA3E):c.868G>A (p.Ala290Thr)

Gene: SEMA3E (semaphorin 3E; minus strand). Cytogenetic location: 7q21.11.
Variant type: single nucleotide variant.
Coding change: c.868G>A on transcript NM_012431.3 (MANE Select); coding-DNA position 868, G replaced by A.
Protein change: p.Ala290Thr; replaces alanine 290 with threonine.
Molecular consequence: missense variant.
Genome position (GRCh38, 1-based): chr7:83,406,005, C>T on the plus strand (G>A on the coding strand, the complement: SEMA3E is on the minus strand). VCF-style: chr7-83406005-C-T. GRCh37 (hg19) VCF-style: chr7-83035321-C-T.
Other names: c.688G>A, p.Ala230Thr (NM_001178129.2); short protein forms A230T, A290T.
Identifiers: ClinVar variation 2150870 (VCV002150870.4), dbSNP rs897188017, ClinGen allele CA161170387.

ClinVar aggregate classification (germline): Uncertain significance (1 of 4 stars; one submission).

Conditions:
CHARGE syndrome (CHARGE). Also called: Hittner Hirsch Kreh syndrome; CHARGE ASSOCIATION--COLOBOMA, HEART ANOMALY, CHOANAL ATRESIA, RETARDATION, GENITAL AND EAR ANOMALIES; Coloboma, heart anomaly, choanal atresia, retardation, genital and ear anomalies; CHARGE association; Hall-Hittner syndrome. Identifiers: Orphanet 138, MedGen C0265354, MONDO:0008965.

Allele frequency attached by ClinVar (database versions not stated): gnomAD exomes below 0.00001; TOPMed below 0.00001.
gnomAD v4.1: 1 of 1,613,472 alleles (0.000062%); highest among the groups gnomAD compares: African/African-American, 0.0013%; no homozygotes.

Submission:

Labcorp Genetics (formerly Invitae), Labcorp
Classification: Uncertain significance for CHARGE syndrome. Last evaluated: 2024-12-09. Review status: criteria provided, single submitter. Criteria: Invitae Variant Classification Sherloc (09022015). Collection method: clinical testing. Allele origin: germline.
Comment: This sequence change replaces alanine, which is neutral and non-polar, with threonine, which is neutral and polar, at codon 290 of the SEMA3E protein (p.Ala290Thr). This variant is not present in population databases (gnomAD no frequency). This variant has not been reported in the literature in individuals affected with SEMA3E-related conditions. ClinVar contains an entry for this variant (Variation ID: 2150870). Invitae Evidence Modeling of protein sequence and biophysical properties (such as structural, functional, and spatial information, amino acid conservation, physicochemical variation, residue mobility, and thermodynamic stability) indicates that this missense variant is not expected to disrupt SEMA3E protein function with a negative predictive value of 80%. In summary, the available evidence is currently insufficient to determine the role of this variant in disease. Therefore, it has been classified as a Variant of Uncertain Significance.